The following is an entry in ClinVar:

ClinVar aggregate classification (germline): Likely benign (1 of 4 stars; one submission).

Allele frequency attached by ClinVar (database versions not stated): ExAC 0.00001; gnomAD exomes 0.00002; gnomAD 0.00003; 1000 Genomes Project 0.00439.
gnomAD v4.1: 31 of 1,567,650 alleles (0.002%); highest among the groups gnomAD compares: Admixed American, 0.0051%; no homozygotes.

Submission:

CeGaT Center for Human Genetics Tuebingen
Classification: Likely benign. Last evaluated: 2026-07-01. Review status: criteria provided, single submitter. Criteria: CeGaT Center For Human Genetics Tuebingen Variant Classification Criteria Version 2. Collection method: clinical testing. Allele origin: germline. Affected: yes. Observed: 4 variant alleles.
Comment: TBP: BP4, BP7

NM_003194.5(TBP):c.249G>A (p.Gln83=)

Genes: TBP (TATA-box binding protein; plus strand), LOC108663996 (TATA-box binding protein repeat instability region; plus strand). Cytogenetic location: 6q27.
Variant type: single nucleotide variant.
Coding change: c.249G>A on transcript NM_003194.5 (MANE Select); coding-DNA position 249, G replaced by A.
Protein change: p.Gln83=; no amino-acid change (glutamine 83 retained).
Molecular consequence: synonymous variant.
Genome position (GRCh38, 1-based): chr6:170,561,985, G>A. VCF-style: chr6-170561985-G-A. GRCh37 (hg19) VCF-style: chr6-170871073-G-A.
Other names: c.189G>A, p.Gln63= (NM_001172085.2).
Identifiers: ClinVar variation 2657162 (VCV002657162.24), dbSNP rs551889211, ClinGen allele CA4108326.